The following is an entry in ClinVar:

ClinVar aggregate classification (germline): Likely pathogenic (1 of 4 stars; one submission).

Conditions:
Developmental and epileptic encephalopathy, 11 (DEE11). Also called: Early infantile epileptic encephalopathy 11. Identifiers: Orphanet 1934, MedGen C3150987, MONDO:0013388, OMIM 613721.
Seizures, benign familial infantile, 3 (BFIS3). Also called: CONVULSIONS, BENIGN FAMILIAL INFANTILE, 3; Familial neonatal seizures. Identifiers: Orphanet 140927, Orphanet 306, MedGen C1843140, MONDO:0011904, OMIM 607745.

Submission:

Labcorp Genetics (formerly Invitae), Labcorp
Classification: Likely pathogenic for Seizures, benign familial infantile, 3; Developmental and epileptic encephalopathy, 11. Last evaluated: 2025-11-12. Review status: criteria provided, single submitter. Criteria: Invitae Variant Classification Sherloc (09022015). Collection method: clinical testing. Allele origin: germline.
Comment: This sequence change replaces serine, which is neutral and polar, with phenylalanine, which is neutral and non-polar, at codon 1336 of the SCN2A protein (p.Ser1336Phe). This variant is not present in population databases (gnomAD no frequency). This variant has not been reported in the literature in individuals affected with SCN2A-related conditions. Invitae Evidence Modeling of protein sequence and biophysical properties (such as structural, functional, and spatial information, amino acid conservation, physicochemical variation, residue mobility, and thermodynamic stability) indicates that this missense variant is expected to disrupt SCN2A protein function with a positive predictive value of 95%. This variant disrupts the p.Ser1336 amino acid residue in SCN2A. Other variant(s) that disrupt this residue have been determined to be pathogenic (PMID: 23935176, 24814476). This suggests that this residue is clinically significant, and that variants that disrupt this residue are likely to be disease-causing. In summary, the currently available evidence indicates that the variant is pathogenic, but additional data are needed to prove that conclusively. Therefore, this variant has been classified as Likely Pathogenic.

Literature cited by the submitters: PubMed 23935176; PubMed 24814476.

NM_001040142.2(SCN2A):c.4007C>T (p.Ser1336Phe)

Gene: SCN2A (sodium voltage-gated channel alpha subunit 2; plus strand). Cytogenetic location: 2q24.3.
Variant type: single nucleotide variant.
Coding change: c.4007C>T on transcript NM_001040142.2 (MANE Select); coding-DNA position 4007, C replaced by T.
Protein change: p.Ser1336Phe; replaces serine 1336 with phenylalanine.
Molecular consequence: missense variant.
Genome position (GRCh38, 1-based): chr2:165,374,719, C>T. VCF-style: chr2-165374719-C-T. GRCh37 (hg19) VCF-style: chr2-166231229-C-T.
Other names: c.4007C>T, p.Ser1336Phe (NM_001040143.2, NM_001371246.1, NM_001371247.1 and 1 more transcripts); short protein forms S1336F.
Identifiers: ClinVar variation 4789350 (VCV004789350.1).